The following is an entry in ClinVar:

NM_004937.3(CTNS):c.682-2A>C

Genes: CTNS (cystinosin, lysosomal cystine transporter; plus strand), CTNS-AS1 (CTNS antisense RNA 1; minus strand). Cytogenetic location: 17p13.2.
Variant type: single nucleotide variant.
Coding change: c.682-2A>C on transcript NM_004937.3 (MANE Select); the canonical splice acceptor site of the intron before coding-DNA position 682, A replaced by C.
Molecular consequence: splice acceptor variant.
Genome position (GRCh38, 1-based): chr17:3,658,003, A>C. VCF-style: chr17-3658003-A-C. GRCh37 (hg19) VCF-style: chr17-3561297-A-C.
Other names: c.682-2A>C (NM_001031681.3, NM_001374492.1); c.241-2A>C (NM_001374493.1, NM_001374495.1, NM_001374494.1 and 1 more transcripts).
Identifiers: ClinVar variation 2951028 (VCV002951028.3), dbSNP rs760905567, ClinGen allele CA397692155.

ClinVar aggregate classification (germline): Pathogenic (1 of 4 stars; one submission).

Conditions:
Inborn genetic diseases. Identifiers: MedGen C0950123, MeSH D030342.
Juvenile nephropathic cystinosis. Also called: Later-Onset (Juvenile) Cystinosis; Intermediate Cystinosis; CYSTINOSIS, LATE-ONSET JUVENILE OR ADOLESCENT NEPHROPATHIC TYPE. Identifiers: Orphanet 213, Orphanet 411634, MedGen C0268626, MONDO:0009066, OMIM 219900.
Ocular cystinosis. Also called: Non-Nephropathic (Ocular) Cystinosis; Non-Nephropathic Cystinosis. Identifiers: Orphanet 213, Orphanet 411641, MedGen C2931013, MONDO:0009064, OMIM 219750.

Submission:

Labcorp Genetics (formerly Invitae), Labcorp
Classification: Pathogenic for Inborn genetic diseases; Ocular cystinosis; Juvenile nephropathic cystinosis. Last evaluated: 2023-08-16. Review status: criteria provided, single submitter. Criteria: Invitae Variant Classification Sherloc (09022015). Collection method: clinical testing. Allele origin: germline.
Comment: For these reasons, this variant has been classified as Pathogenic. Algorithms developed to predict the effect of sequence changes on RNA splicing suggest that this variant may disrupt the consensus splice site. Disruption of this splice site has been observed in individuals with cystinosis (PMID: 19863563, 27858370). This variant is not present in population databases (gnomAD no frequency). This sequence change affects an acceptor splice site in intron 9 of the CTNS gene. It is expected to disrupt RNA splicing. Variants that disrupt the donor or acceptor splice site typically lead to a loss of protein function (PMID: 16199547), and loss-of-function variants in CTNS are known to be pathogenic (PMID: 9537412, 27102039).

Literature cited by the submitters: PubMed 19863563; PubMed 27858370; PubMed 16199547; PubMed 9537412; PubMed 27102039.